The following is an entry in ClinVar:

ClinVar aggregate classification (germline): Uncertain significance (1 of 4 stars; one submission).

Conditions:
Developmental and epileptic encephalopathy, 1 (DEE1). Also called: X-linked infantile spasms; West's syndrome; Tonic spasms with clustering, arrest of psychomotor development and hypsarrhythmia on EEG; X-Linked Infantile Spasm Syndrome; OHTAHARA SYNDROME, X-LINKED; Epileptic encephalopathy, early infantile, 1. Identifiers: MedGen C3463992, MONDO:0010632, OMIM 308350. Disease mechanism: loss of function.
Autosomal dominant nonsyndromic hearing loss 65. Also called: Deafness, autosomal dominant 65; TBC1D24-Related Autosomal Dominant Nonsyndromic Hearing Loss (DFNA). Identifiers: Orphanet 90635, MedGen C3892048, MONDO:0014470, OMIM 616044.

Allele frequency attached by ClinVar (database versions not stated): TOPMed 0.00002.

Submission:

Labcorp Genetics (formerly Invitae), Labcorp
Classification: Uncertain significance for Developmental and epileptic encephalopathy, 1; Autosomal dominant nonsyndromic hearing loss 65. Last evaluated: 2024-10-22. Review status: criteria provided, single submitter. Criteria: Invitae Variant Classification Sherloc (09022015). Collection method: clinical testing. Allele origin: germline.
Comment: This sequence change replaces arginine, which is basic and polar, with glycine, which is neutral and non-polar, at codon 109 of the TBC1D24 protein (p.Arg109Gly). This variant is present in population databases (rs372337277, gnomAD 0.006%). This variant has not been reported in the literature in individuals affected with TBC1D24-related conditions. ClinVar contains an entry for this variant (Variation ID: 474307). Invitae Evidence Modeling of protein sequence and biophysical properties (such as structural, functional, and spatial information, amino acid conservation, physicochemical variation, residue mobility, and thermodynamic stability) indicates that this missense variant is not expected to disrupt TBC1D24 protein function with a negative predictive value of 80%. In summary, the available evidence is currently insufficient to determine the role of this variant in disease. Therefore, it has been classified as a Variant of Uncertain Significance.

NM_001199107.2(TBC1D24):c.325C>G (p.Arg109Gly)

Gene: TBC1D24 (TBC1 domain family member 24; plus strand). Cytogenetic location: 16p13.3.
Variant type: single nucleotide variant.
Coding change: c.325C>G on transcript NM_001199107.2 (MANE Select); coding-DNA position 325, C replaced by G.
Protein change: p.Arg109Gly; replaces arginine 109 with glycine.
Molecular consequence: missense variant.
Genome position (GRCh38, 1-based): chr16:2,496,473, C>G. VCF-style: chr16-2496473-C-G. GRCh37 (hg19) VCF-style: chr16-2546474-C-G.
Other names: c.325C>G, p.Arg109Gly (NM_020705.3); short protein forms R109G.
Identifiers: ClinVar variation 474307 (VCV000474307.7), dbSNP rs372337277, ClinGen allele CA7843972.
Genomic context (GRCh38, chr16:2,496,473, plus strand): 5'-TGCCTGCCGCTGCCCGAGTTCGTGGACAACACGCAGGTGCCCAGCTACTGCCTGAATGCA[C>G]GCGGCGAGGGGGCCGTGCGCAAGATCCTCCTGTGCCTGGCCAACCAGTTCCCCGACATCT-3'
Protein context (NP_001186036.1, residues 99-119): TQVPSYCLNA[Arg109Gly]GEGAVRKILL